The following is an entry in ClinVar:

NM_000617.3(SLC11A2):c.-110G>T

Gene: SLC11A2 (solute carrier family 11 member 2; minus strand). Cytogenetic location: 12q13.12.
Variant type: single nucleotide variant.
Coding change: c.-110G>T on transcript NM_000617.3 (MANE Select); 110 bases upstream of the start codon, G replaced by T.
Molecular consequence: 5 prime UTR variant. On other transcripts: non-coding transcript variant (5), intron variant (3).
Genome position (GRCh38, 1-based): chr12:51,026,381, C>A on the plus strand (G>T on the coding strand, the complement: SLC11A2 is on the minus strand). VCF-style: chr12-51026381-C-A. GRCh37 (hg19) VCF-style: chr12-51420164-C-A.
Other names: c.-110G>T (NM_001174126.2); c.-105G>T (NM_001174127.2, NM_001174128.2); c.49+1796G>T (NM_001379446.1, NM_001379455.1, NM_001174125.2).
Identifiers: ClinVar variation 309328 (VCV000309328.6), dbSNP rs6580779, ClinGen allele CA6566947.

ClinVar aggregate classification (germline): Benign. Review status: criteria provided, multiple submitters, no conflicts (2 of 4 stars). 2 submissions from 2 submitters: Benign (2). Last evaluated 2018-01-12.

Conditions:
Microcytic anemia with liver iron overload. Also called: Anemia, hypochromic microcytic, with iron overload 1. Identifiers: Orphanet 83642, MedGen C3806153, MONDO:0008787, OMIM 206100.

Allele frequency attached by ClinVar (database versions not stated): gnomAD 0.90822 and 0.90970; ExAC 0.91806; gnomAD exomes 0.93481 and 0.93763; 1000 Genomes Project 0.89677; 1000 Genomes Project 30x 0.89819; TOPMed 0.90235.
gnomAD v4.1: 1,190,348 of 1,277,586 alleles (93%); highest among the groups gnomAD compares: East Asian, 98%; 555,325 homozygotes.

Submissions (2):

Illumina Laboratory Services, Illumina
Classification: Benign for Microcytic anemia with liver iron overload. Last evaluated: 2018-01-12. Review status: criteria provided, single submitter. Criteria: ICSL Variant Classification Criteria 13 December 2019. Collection method: clinical testing. Allele origin: germline.
Comment: This variant was observed in the ICSL laboratory as part of a predisposition screen in an ostensibly healthy population. It had not been previously curated by ICSL or reported in the Human Gene Mutation Database (HGMD: prior to June 1st, 2018), and was therefore a candidate for classification through an automated scoring system. Utilizing variant allele frequency, disease prevalence and penetrance estimates, and inheritance mode, an automated score was calculated to assess if this variant is too frequent to cause the disease. Based on the score and internal cut-off values, a variant classified as benign is not then subjected to further curation. The score for this variant resulted in a classification of benign for this disease.

Breakthrough Genomics
Classification: Benign. Review status: criteria provided, single submitter. Criteria: ACMG Guidelines, 2015. Collection method: not provided. Allele origin: germline. Inheritance: Autosomal recessive inheritance. Affected: yes.